The following is an entry in ClinVar:

ClinVar aggregate classification (germline): Uncertain significance (1 of 4 stars; one submission).

gnomAD v4.1: 3 of 1,604,706 alleles (0.00019%); highest among the groups gnomAD compares: Admixed American, 0.0033%; no homozygotes.

Submission:

Labcorp Genetics (formerly Invitae), Labcorp
Classification: Uncertain significance. Last evaluated: 2026-01-05. Review status: criteria provided, single submitter. Criteria: Invitae Variant Classification Sherloc (09022015). Collection method: clinical testing. Allele origin: germline.
Comment: This sequence change affects codon 799 of the CCDC141 mRNA. It is a 'silent' change, meaning that it does not change the encoded amino acid sequence of the CCDC141 protein. It affects a nucleotide within the consensus splice site. This variant is present in population databases (no rsID available, gnomAD 0.006%). This variant has not been reported in the literature in individuals affected with CCDC141-related conditions. Algorithms developed to predict the effect of sequence changes on RNA splicing suggest that this variant is not likely to affect RNA splicing. In summary, the available evidence is currently insufficient to determine the role of this variant in disease. Therefore, it has been classified as a Variant of Uncertain Significance.

NM_173648.4(CCDC141):c.2395C>T (p.Leu799=)

Gene: CCDC141 (coiled-coil domain containing 141; minus strand). Cytogenetic location: 2q31.2.
Variant type: single nucleotide variant.
Coding change: c.2395C>T on transcript NM_173648.4 (MANE Select); coding-DNA position 2395, C replaced by T.
Protein change: p.Leu799=; no amino-acid change (leucine 799 retained).
Molecular consequence: synonymous variant.
Genome position (GRCh38, 1-based): chr2:178,868,205, G>A on the plus strand (C>T on the coding strand, the complement: CCDC141 is on the minus strand). VCF-style: chr2-178868205-G-A. GRCh37 (hg19) VCF-style: chr2-179732932-G-A.
Identifiers: ClinVar variation 4727945 (VCV004727945.1).